The following is an entry in ClinVar:

ClinVar aggregate classification (germline): Conflicting classifications of pathogenicity. Review status: criteria provided, conflicting classifications (1 of 4 stars). 3 submissions from 3 submitters: Pathogenic (1); Uncertain significance (2). Last evaluated 2025-11-10.

Conditions:
Leber congenital amaurosis 1 (LCA1). Also called: RETINAL BLINDNESS, CONGENITAL; AMAUROSIS CONGENITA OF LEBER I; Congenital absence of the rods and cones; Leber's congenital tapetoretinal degeneration; Leber's congenital tapetoretinal dysplasia. Identifiers: Orphanet 65, MedGen C2931258, MONDO:0008764, OMIM 204000.
Leber congenital amaurosis 14 (LCA14). Identifiers: MedGen C2750063, MONDO:0013231, OMIM 613341.

Allele frequency attached by ClinVar (database versions not stated): gnomAD exomes below 0.00001.
gnomAD v4.1: 1 of 1,614,158 alleles (0.000062%); highest among the groups gnomAD compares: Non-Finnish European, 0.000085%; no homozygotes.

Submissions (3):

Dasa
Classification: Uncertain significance for Leber congenital amaurosis 14. Last evaluated: 2025-11-10. Review status: criteria provided, single submitter. Criteria: DASA Assertion Criteria. Collection method: clinical testing. Allele origin: germline.
Comment: NM_004744.5(LRAT):c.298G>A (p.Gly100Ser) is a missense variant that results in the substitution of glycine with serine. This variant has been reported in individuals with LRAT-related disorders (PMID: 32865313). Also, this variant is rare in population databases. The currently available literature and clinical evidence are not sufficient to establish a definitive association between this variant and the reported condition. Therefore, this variant is classified as a variant of uncertain significance.

Labcorp Genetics (formerly Invitae), Labcorp
Classification: Pathogenic. Last evaluated: 2024-04-29. Review status: criteria provided, single submitter. Criteria: Invitae Variant Classification Sherloc (09022015). Collection method: clinical testing. Allele origin: germline.
Comment: This sequence change replaces glycine, which is neutral and non-polar, with serine, which is neutral and polar, at codon 100 of the LRAT protein (p.Gly100Ser). This variant is not present in population databases (gnomAD no frequency). This missense change has been observed in individuals with LRAT-related conditions (PMID: 32865313). ClinVar contains an entry for this variant (Variation ID: 802097). An algorithm developed to predict the effect of missense changes on protein structure and function (PolyPhen-2) suggests that this variant is likely to be disruptive. This variant disrupts the p.Gly100 amino acid residue in LRAT. Other variant(s) that disrupt this residue have been observed in individuals with LRAT-related conditions (PMID: 25472526), which suggests that this may be a clinically significant amino acid residue. For these reasons, this variant has been classified as Pathogenic.

Mendelics
Classification: Uncertain significance for Leber congenital amaurosis 1. Last evaluated: 2019-05-28. Review status: criteria provided, single submitter. Criteria: Mendelics Assertion Criteria 2017. Collection method: clinical testing. Allele origin: unknown.

Literature cited by the submitters: PubMed 32865313 (cited by Dasa and Labcorp Genetics (formerly Invitae), Labcorp); PubMed 25472526 (cited by Labcorp Genetics (formerly Invitae), Labcorp).

NM_004744.5(LRAT):c.298G>A (p.Gly100Ser)

Gene: LRAT (lecithin retinol acyltransferase; plus strand). Cytogenetic location: 4q32.1.
Variant type: single nucleotide variant.
Coding change: c.298G>A on transcript NM_004744.5 (MANE Select); coding-DNA position 298, G replaced by A.
Protein change: p.Gly100Ser; replaces glycine 100 with serine.
Molecular consequence: missense variant.
Genome position (GRCh38, 1-based): chr4:154,744,624, G>A. VCF-style: chr4-154744624-G-A. GRCh37 (hg19) VCF-style: chr4-155665776-G-A.
Other names: c.298G>A, p.Gly100Ser (NM_001301645.2); short protein forms G100S.
Identifiers: ClinVar variation 802097 (VCV000802097.7), dbSNP rs1035206645, ClinGen allele CA108930213.
Genomic context (GRCh38, chr4:154,744,624, plus strand): 5'-GCCCTGACAGACGACATGGGGCGCACGCAGAAGGTGGTCTCCAACAAGCGTCTCATCCTG[G>A]GCGTTATTGTCAAAGTGGCCAGCATCCGCGTGGACACAGTGGAGGACTTCGCCTACGGAG-3'
Protein context (NP_004735.2, residues 90-110): KVVSNKRLIL[Gly100Ser]VIVKVASIRV